The following is an entry in ClinVar:

ClinVar aggregate classification (germline): Uncertain significance (1 of 4 stars; one submission).

Conditions:
Vici syndrome (VICIS). Identifiers: Orphanet 1493, MedGen C1855772, MONDO:0009452, OMIM 242840.

Submission:

Labcorp Genetics (formerly Invitae), Labcorp
Classification: Uncertain significance for Vici syndrome. Last evaluated: 2024-01-22. Review status: criteria provided, single submitter. Criteria: Invitae Variant Classification Sherloc (09022015). Collection method: clinical testing. Allele origin: germline.
Comment: This sequence change replaces proline, which is neutral and non-polar, with arginine, which is basic and polar, at codon 2507 of the EPG5 protein (p.Pro2507Arg). This variant is not present in population databases (gnomAD no frequency). This variant has not been reported in the literature in individuals affected with EPG5-related conditions. ClinVar contains an entry for this variant (Variation ID: 1353359). Advanced modeling of protein sequence and biophysical properties (such as structural, functional, and spatial information, amino acid conservation, physicochemical variation, residue mobility, and thermodynamic stability) performed at Invitae indicates that this missense variant is expected to disrupt EPG5 protein function with a positive predictive value of 80%. In summary, the available evidence is currently insufficient to determine the role of this variant in disease. Therefore, it has been classified as a Variant of Uncertain Significance.

NM_020964.3(EPG5):c.7520C>G (p.Pro2507Arg)

Gene: EPG5 (ectopic P-granules 5 autophagy tethering factor; minus strand). Cytogenetic location: 18q12.3.
Variant type: single nucleotide variant.
Coding change: c.7520C>G on transcript NM_020964.3 (MANE Select); coding-DNA position 7520, C replaced by G.
Protein change: p.Pro2507Arg; replaces proline 2507 with arginine.
Molecular consequence: missense variant.
Genome position (GRCh38, 1-based): chr18:45,855,610, G>C on the plus strand (C>G on the coding strand, the complement: EPG5 is on the minus strand). VCF-style: chr18-45855610-G-C. GRCh37 (hg19) VCF-style: chr18-43435575-G-C.
Other names: short protein forms P2507R.
Identifiers: ClinVar variation 1353359 (VCV001353359.7), dbSNP rs2145172677, ClinGen allele CA402335594.